The following is an entry in ClinVar:

NM_004525.3(LRP2):c.5292G>T (p.Glu1764Asp)

Gene: LRP2 (LDL receptor related protein 2; minus strand). Cytogenetic location: 2q31.1.
Variant type: single nucleotide variant.
Coding change: c.5292G>T on transcript NM_004525.3 (MANE Select); coding-DNA position 5292, G replaced by T.
Protein change: p.Glu1764Asp; replaces glutamic acid 1764 with aspartic acid.
Molecular consequence: missense variant.
Genome position (GRCh38, 1-based): chr2:169,226,524, C>A on the plus strand (G>T on the coding strand, the complement: LRP2 is on the minus strand). VCF-style: chr2-169226524-C-A. GRCh37 (hg19) VCF-style: chr2-170083034-C-A.
Other names: short protein forms E1764D.
Identifiers: ClinVar variation 1400611 (VCV001400611.5), dbSNP rs766387700, ClinGen allele CA1954568.

ClinVar aggregate classification (germline): Uncertain significance (1 of 4 stars; one submission).

Allele frequency attached by ClinVar (database versions not stated): gnomAD 0.00001; gnomAD exomes 0.00001; ExAC 0.00001; TOPMed 0.00001.
gnomAD v4.1: 9 of 1,613,148 alleles (0.00056%); highest among the groups gnomAD compares: East Asian, 0.018%; no homozygotes.

Submission:

Labcorp Genetics (formerly Invitae), Labcorp
Classification: Uncertain significance. Last evaluated: 2021-08-24. Review status: criteria provided, single submitter. Criteria: Invitae Variant Classification Sherloc (09022015). Collection method: clinical testing. Allele origin: germline.
Comment: This sequence change replaces glutamic acid with aspartic acid at codon 1764 of the LRP2 protein (p.Glu1764Asp). The glutamic acid residue is moderately conserved and there is a small physicochemical difference between glutamic acid and aspartic acid. This variant is present in population databases (rs766387700, ExAC 0.01%). This variant has not been reported in the literature in individuals affected with LRP2-related conditions. Advanced modeling of protein sequence and biophysical properties (such as structural, functional, and spatial information, amino acid conservation, physicochemical variation, residue mobility, and thermodynamic stability) performed at Invitae indicates that this missense variant is not expected to disrupt LRP2 protein function. In summary, the available evidence is currently insufficient to determine the role of this variant in disease. Therefore, it has been classified as a Variant of Uncertain Significance.